The following is an entry in ClinVar:

NM_020975.6(RET):c.35G>T (p.Arg12Leu)

Gene: RET (ret proto-oncogene; plus strand). Cytogenetic location: 10q11.21.
Variant type: single nucleotide variant.
Coding change: c.35G>T on transcript NM_020975.6 (MANE Select); coding-DNA position 35, G replaced by T.
Protein change: p.Arg12Leu; replaces arginine 12 with leucine.
Molecular consequence: missense variant.
Genome position (GRCh38, 1-based): chr10:43,077,293, G>T. VCF-style: chr10-43077293-G-T. GRCh37 (hg19) VCF-style: chr10-43572741-G-T.
Other names: c.35G>T, p.Arg12Leu (NM_001406743.1, NM_001406744.1, NM_001406759.1 and 36 more transcripts); short protein forms R12L.
Identifiers: ClinVar variation 3788319 (VCV003788319.1).

ClinVar aggregate classification (germline): Uncertain significance (1 of 4 stars; one submission).

Conditions:
Hereditary cancer-predisposing syndrome. Also called: Neoplastic Syndromes, Hereditary; Hereditary Cancer Syndrome; Tumor predisposition; Hereditary neoplastic syndrome. Identifiers: Orphanet 140162, MedGen C0027672, MeSH D009386, MONDO:0015356.

Submission:

Ambry Genetics
Classification: Uncertain significance for Hereditary cancer-predisposing syndrome. Last evaluated: 2025-01-20. Review status: criteria provided, single submitter. Criteria: Ambry Variant Classification Scheme 2023. Collection method: clinical testing. Allele origin: germline.
Comment: The p.R12L variant (also known as c.35G>T), located in coding exon 1 of the RET gene, results from a G to T substitution at nucleotide position 35. The arginine at codon 12 is replaced by leucine, an amino acid with dissimilar properties. This amino acid position is well conserved in available vertebrate species. In addition, the in silico prediction for this alteration is inconclusive. Based on the available evidence, the clinical significance of this variant remains unclear.